The following is an entry in ClinVar:

NM_015374.3(SUN2):c.1081G>T (p.Ala361Ser)

Genes: GTPBP1 (GTP binding protein 1; plus strand), SUN2 (Sad1 and UNC84 domain containing 2; minus strand). Cytogenetic location: 22q13.1.
Variant type: single nucleotide variant.
Coding change: c.1081G>T on transcript NM_015374.3 (MANE Select); coding-DNA position 1081, G replaced by T.
Protein change: p.Ala361Ser; replaces alanine 361 with serine.
Molecular consequence: missense variant.
Genome position (GRCh38, 1-based): chr22:38,741,559, C>A on the plus strand (G>T on the coding strand, the complement: SUN2 is on the minus strand). VCF-style: chr22-38741559-C-A. GRCh37 (hg19) VCF-style: chr22-39137564-C-A.
Other names: c.1144G>T, p.Ala382Ser (NM_001199579.2); c.1081G>T, p.Ala361Ser (NM_001199580.2); short protein forms A361S, A382S.
Identifiers: ClinVar variation 968618 (VCV000968618.1), dbSNP rs2092858095, ClinGen allele CA411585106.
Genomic context (GRCh38, chr22:38,741,559, plus strand): 5'-AGGCCCGGACGATCTTCTTGAAGAGGTCTTCTGAGTCTTGCTGATGCTCTGCTCTCAGGG[C>A]AGACAGTTCTTCCTGTGAGACGGGAGTGAGAGGACAGGTTGGACAGAGCCATGCTTATAG-3'
Protein context (NP_056189.1, residues 351-371): TAARIQEELS[Ala361Ser]LRAEHQQDSE

ClinVar aggregate classification (germline): Uncertain significance (1 of 4 stars; one submission).

Conditions:
Emery-Dreifuss muscular dystrophy (EDMD). Also called: Scapuloperoneal syndrome, X-linked (formerly); Humeroperoneal neuromuscular disease, (formerly). Identifiers: Orphanet 261, MedGen C0410189, MONDO:0016830.

Allele frequency attached by ClinVar (database versions not stated): gnomAD exomes below 0.00001.
gnomAD v4.1: 1 of 1,614,056 alleles (0.000062%); highest among the groups gnomAD compares: Non-Finnish European, 0.000085%; no homozygotes.

Submission:

Labcorp Genetics (formerly Invitae), Labcorp
Classification: Uncertain significance for Emery-Dreifuss muscular dystrophy. Last evaluated: 2019-10-08. Review status: criteria provided, single submitter. Criteria: Invitae Variant Classification Sherloc (09022015). Collection method: clinical testing. Allele origin: germline.
Comment: This sequence change replaces alanine with serine at codon 361 of the SUN2 protein (p.Ala361Ser). The alanine residue is weakly conserved and there is a moderate physicochemical difference between alanine and serine. This variant is not present in population databases (ExAC no frequency). This variant has not been reported in the literature in individuals with SUN2-related conditions. Algorithms developed to predict the effect of missense changes on protein structure and function output the following: SIFT: "Tolerated"; PolyPhen-2: "Benign"; Align-GVGD: "Class C0". The serine amino acid residue is found in multiple mammalian species, suggesting that this missense change does not adversely affect protein function. These predictions have not been confirmed by published functional studies and their clinical significance is uncertain. In summary, the available evidence is currently insufficient to determine the role of this variant in disease. Therefore, it has been classified as a Variant of Uncertain Significance.